The following is an entry in ClinVar:

NM_006231.4(POLE):c.4484C>T (p.Ala1495Val)

Gene: POLE (DNA polymerase epsilon, catalytic subunit; minus strand). Cytogenetic location: 12q24.33.
Variant type: single nucleotide variant.
Coding change: c.4484C>T on transcript NM_006231.4 (MANE Select); coding-DNA position 4484, C replaced by T.
Protein change: p.Ala1495Val; replaces alanine 1495 with valine.
Molecular consequence: missense variant.
Genome position (GRCh38, 1-based): chr12:132,643,291, G>A on the plus strand (C>T on the coding strand, the complement: POLE is on the minus strand). VCF-style: chr12-132643291-G-A. GRCh37 (hg19) VCF-style: chr12-133219877-G-A.
Other names: short protein forms A1495V.
Identifiers: ClinVar variation 1326231 (VCV001326231.6), dbSNP rs2138547037, ClinGen allele CA387380643.

ClinVar aggregate classification (germline): Uncertain significance. Review status: criteria provided, multiple submitters, no conflicts (2 of 4 stars). 2 submissions from 2 submitters: Uncertain significance (2). Last evaluated 2023-11-21.

Submissions (2):

Labcorp Genetics (formerly Invitae), Labcorp
Classification: Uncertain significance. Last evaluated: 2023-11-21. Review status: criteria provided, single submitter. Criteria: Invitae Variant Classification Sherloc (09022015). Collection method: clinical testing. Allele origin: germline.
Comment: This sequence change replaces alanine, which is neutral and non-polar, with valine, which is neutral and non-polar, at codon 1495 of the POLE protein (p.Ala1495Val). This variant is not present in population databases (gnomAD no frequency). This variant has not been reported in the literature in individuals affected with POLE-related conditions. ClinVar contains an entry for this variant (Variation ID: 1326231). Advanced modeling of protein sequence and biophysical properties (such as structural, functional, and spatial information, amino acid conservation, physicochemical variation, residue mobility, and thermodynamic stability) performed at Invitae indicates that this missense variant is not expected to disrupt POLE protein function with a negative predictive value of 80%. In summary, the available evidence is currently insufficient to determine the role of this variant in disease. Therefore, it has been classified as a Variant of Uncertain Significance.

GeneDx
Classification: Uncertain significance. Last evaluated: 2021-05-19. Review status: criteria provided, single submitter. Criteria: GeneDx Variant Classification Process June 2021. Collection method: clinical testing. Allele origin: germline. Affected: yes.
Comment: Not observed in large population cohorts (Lek 2016); In silico analysis supports that this missense variant does not alter protein structure/function; Has not been previously published as pathogenic or benign to our knowledge